The following is an entry in ClinVar:

NM_001711.6(BGN):c.811G>C (p.Gly271Arg)

Gene: BGN (biglycan; plus strand). Cytogenetic location: Xq28.
Variant type: single nucleotide variant.
Coding change: c.811G>C on transcript NM_001711.6 (MANE Select); coding-DNA position 811, G replaced by C.
Protein change: p.Gly271Arg; replaces glycine 271 with arginine.
Molecular consequence: missense variant.
Genome position (GRCh38, 1-based): chrX:153,507,087, G>C. VCF-style: chrX-153507087-G-C. GRCh37 (hg19) VCF-style: chrX-152772545-G-C.
Other names: short protein forms G271R.
Identifiers: ClinVar variation 1718345 (VCV001718345.5), dbSNP rs1372988403, ClinGen allele CA415071392.
Genomic context (GRCh38, chrX:153,507,087, plus strand): 5'-TGTCATTCTCCCGCTCACAGGCTGGGCCTAGGCCACAACCAGATCAGGATGATCGAGAAC[G>C]GGAGCCTGAGCTTCCTGCCCACCCTCCGGGAGCTCCACTTGGACAACAACAAGTTGGCCA-3'
Protein context (NP_001702.1, residues 261-281): GHNQIRMIEN[Gly271Arg]SLSFLPTLRE

ClinVar aggregate classification (germline): Uncertain significance (1 of 4 stars; one submission).

Submission:

Labcorp Genetics (formerly Invitae), Labcorp
Classification: Uncertain significance. Last evaluated: 2022-08-30. Review status: criteria provided, single submitter. Criteria: Invitae Variant Classification Sherloc (09022015). Collection method: clinical testing. Allele origin: germline.
Comment: This variant is not present in population databases (gnomAD no frequency). This sequence change replaces glycine, which is neutral and non-polar, with arginine, which is basic and polar, at codon 271 of the BGN protein (p.Gly271Arg). This variant has not been reported in the literature in individuals affected with BGN-related conditions. Algorithms developed to predict the effect of missense changes on protein structure and function are either unavailable or do not agree on the potential impact of this missense change (SIFT: "Not Available"; PolyPhen-2: "Probably Damaging"; Align-GVGD: "Not Available"). In summary, the available evidence is currently insufficient to determine the role of this variant in disease. Therefore, it has been classified as a Variant of Uncertain Significance.